The following is an entry in ClinVar:

NM_000441.2(SLC26A4):c.1131C>A (p.Tyr377Ter)

Gene: SLC26A4 (solute carrier family 26 member 4; plus strand). Cytogenetic location: 7q22.3.
Variant type: single nucleotide variant.
Coding change: c.1131C>A on transcript NM_000441.2 (MANE Select); coding-DNA position 1131, C replaced by A.
Protein change: p.Tyr377Ter; replaces tyrosine 377 with a stop codon.
Molecular consequence: nonsense.
Genome position (GRCh38, 1-based): chr7:107,689,182, C>A. VCF-style: chr7-107689182-C-A. GRCh37 (hg19) VCF-style: chr7-107329627-C-A.
Other names: short protein forms Y377*.
Identifiers: ClinVar variation 1448317 (VCV001448317.6), dbSNP rs2129315827, ClinGen allele CA368838890.

ClinVar aggregate classification (germline): Pathogenic (1 of 4 stars; one submission).

Submission:

Labcorp Genetics (formerly Invitae), Labcorp
Classification: Pathogenic. Last evaluated: 2021-05-12. Review status: criteria provided, single submitter. Criteria: Invitae Variant Classification Sherloc (09022015). Collection method: clinical testing. Allele origin: germline.
Comment: For these reasons, this variant has been classified as Pathogenic. This variant has not been reported in the literature in individuals with SLC26A4-related conditions. This variant is not present in population databases (ExAC no frequency). This sequence change creates a premature translational stop signal (p.Tyr377*) in the SLC26A4 gene. It is expected to result in an absent or disrupted protein product. Loss-of-function variants in SLC26A4 are known to be pathogenic (PMID: 16283880, 25394566, 26252218, 26445815).

Literature cited by the submitters: PubMed 16283880; PubMed 25394566; PubMed 26252218; PubMed 26445815.